The following is an entry in ClinVar:

ClinVar aggregate classification (germline): Conflicting classifications of pathogenicity. Review status: criteria provided, conflicting classifications (1 of 4 stars). 6 submissions from 6 submitters: Uncertain significance (3); Likely benign (3). Last evaluated 2025-11-27.

Conditions:
Long QT syndrome (LQTS). Identifiers: MedGen C0023976, MeSH D008133, MONDO:0002442. Disease mechanism: loss of function. Inheritance: Various modes of inheritance.
Cardiovascular phenotype. Identifiers: MedGen CN230736.
Cardiac arrhythmia. Also called: Arrhythmia; Cardiac rhythm disease. Identifiers: MedGen C0003811, MONDO:0007263, HP:0011675.

Allele frequency attached by ClinVar (database versions not stated): gnomAD exomes 0.00002 and 0.00004; gnomAD 0.00003; TOPMed 0.00004; ExAC 0.00009.
gnomAD v4.1: 30 of 1,536,948 alleles (0.002%); highest among the groups gnomAD compares: East Asian, 0.0073%; no homozygotes.

Submissions (6):

Labcorp Genetics (formerly Invitae), Labcorp
Classification: Uncertain significance for Long QT syndrome. Last evaluated: 2025-11-27. Review status: criteria provided, single submitter. Criteria: Invitae Variant Classification Sherloc (09022015). Collection method: clinical testing. Allele origin: germline.
Comment: This sequence change replaces proline, which is neutral and non-polar, with leucine, which is neutral and non-polar, at codon 931 of the KCNH2 protein (p.Pro931Leu). The frequency data for this variant in the population databases is considered unreliable, as metrics indicate poor data quality at this position in the gnomAD database. This missense change has been observed in individual(s) with clinical features of KCNH2-related conditions (PMID: 31696929). ClinVar contains an entry for this variant (Variation ID: 654837). An algorithm developed to predict the effect of missense changes on protein structure and function outputs the following: PolyPhen-2: "Benign". The leucine amino acid residue is found in multiple mammalian species, which suggests that this missense change does not adversely affect protein function. In summary, the available evidence is currently insufficient to determine the role of this variant in disease. Therefore, it has been classified as a Variant of Uncertain Significance.

Color Diagnostics, LLC DBA Color Health
Classification: Uncertain significance for Cardiac arrhythmia. Last evaluated: 2025-03-03. Review status: criteria provided, single submitter. Criteria: ACMG Guidelines, 2015. Collection method: clinical testing. Allele origin: germline.
Comment: This missense variant replaces proline with leucine at codon 931 of the KCNH2 protein. Computational prediction suggests that this variant may not impact protein structure and function. To our knowledge, functional studies have not been reported for this variant. This variant has not been reported in individuals affected with KCNH2-related disorders in the literature. This variant has not been identified in the general population by the Genome Aggregation Database (gnomAD). The available evidence is insufficient to determine the role of this variant in disease conclusively. Therefore, this variant is classified as a Variant of Uncertain Significance.

Women's Health and Genetics/Laboratory Corporation of America, LabCorp
Classification: Likely benign. Last evaluated: 2025-01-23. Review status: criteria provided, single submitter. Criteria: LabCorp Variant Classification Summary - May 2015. Collection method: clinical testing. Allele origin: germline.
Comment: Variant summary: KCNH2 c.2792C>T (p.Pro931Leu) results in a non-conservative amino acid change in the encoded protein sequence. Three of five in-silico tools predict a damaging effect of the variant on protein function. The variant allele was found at a frequency of 3.6e-05 in 164902 control chromosomes, predominantly at a frequency of 0.00033 within the East Asian subpopulation in the gnomAD database. In addition, the variant was reported in some East Asian subpopulations with an even higher allele frequency, e.g. in Chinese, with an allele frequency of 0.00052 (i.e. 11 / 21172 alleles; in the ChinaMAP database [PMID: 32355288]). This frequency is about 5-fold higher than the maximum expected for a pathogenic variant in KCNH2 causing Arrhythmia phenotype (0.0001), suggesting the variant might be a benign polymorphism. The variant, c.2792C>T, has been reported in the literature in 3 individuals from a cohort of Chinese people (N = 11945), i.e. in one individual with (suspected) arrhythmia, and in two other individuals with non-cardiovascular disease (Li_2020). To our knowledge, no experimental evidence demonstrating an impact on protein function has been reported. The following publication has been ascertained in the context of this evaluation (PMID: 31696929). ClinVar contains an entry for this variant (Variation ID: 654837). Based on the evidence outlined above, the variant was classified as likely benign.

Blueprint Genetics
Classification: Likely benign. Last evaluated: 2024-11-13. Review status: criteria provided, single submitter. Criteria: ACMG Guidelines, 2015. Collection method: clinical testing. Allele origin: germline.

All of Us Research Program, National Institutes of Health
Classification: Uncertain significance for Long QT syndrome. Last evaluated: 2023-08-15. Review status: criteria provided, single submitter. Criteria: ACMG Guidelines, 2015. Collection method: clinical testing. Allele origin: germline. Inheritance: Autosomal dominant inheritance. Observed: 4 variant alleles, 4 heterozygotes.
Comment: This missense variant replaces proline with leucine at codon 931 of the KCNH2 protein. Computational prediction suggests that this variant may not impact protein structure and function (internally defined REVEL score threshold <= 0.5, PMID: 27666373). To our knowledge, functional studies have not been reported for this variant. This variant has not been reported in individuals affected with cardiovascular disorders in the literature. This variant has not been identified in the general population by the Genome Aggregation Database (gnomAD). The available evidence is insufficient to determine the role of this variant in disease conclusively. Therefore, this variant is classified as a Variant of Uncertain Significance.

This study involves interpretation of variants in research participants for the purpose of population health screening. Participant phenotype was not available at the time of variant classification. Additional details can be found in publication PMID: 35346344, PMCID: PMC8962531

Ambry Genetics
Classification: Likely benign for Cardiovascular phenotype. Last evaluated: 2023-02-24. Review status: criteria provided, single submitter. Criteria: Ambry Variant Classification Scheme 2023. Collection method: clinical testing. Allele origin: germline.

Literature cited by the submitters: PubMed 31696929 (cited by Labcorp Genetics (formerly Invitae), Labcorp and Women's Health and Genetics/Laboratory Corporation of America, LabCorp).

NM_000238.4(KCNH2):c.2792C>T (p.Pro931Leu)

Gene: KCNH2 (potassium voltage-gated channel subfamily H member 2; minus strand). Cytogenetic location: 7q36.1.
Variant type: single nucleotide variant.
Coding change: c.2792C>T on transcript NM_000238.4 (MANE Select); coding-DNA position 2792, C replaced by T.
Protein change: p.Pro931Leu; replaces proline 931 with leucine.
Molecular consequence: missense variant.
Genome position (GRCh38, 1-based): chr7:150,947,779, G>A on the plus strand (C>T on the coding strand, the complement: KCNH2 is on the minus strand). VCF-style: chr7-150947779-G-A. GRCh37 (hg19) VCF-style: chr7-150644867-G-A.
Other names: c.1772C>T, p.Pro591Leu (NM_172057.3); short protein forms P931L, P591L.
Identifiers: ClinVar variation 654837 (VCV000654837.22), dbSNP rs749759697, ClinGen allele CA034864.
Genomic context (GRCh38, chr7:150,947,779, plus strand): 5'-CTGGAGCTGCGGCCTGGGCCCTCATCCTCACTGCTCTCAGGGCTGGAGGGGCCACTGGAC[G>A]GGCTCTCCCCCCACGGCCCCCCCGGCCGGCCCCGGCTACTCGGCCCTGCCCCCGCCCGGC-3'
Protein context (NP_000229.1, residues 921-941): GRPGGPWGES[Pro931Leu]SSGPSSPESS